The following is an entry in ClinVar:

NM_033004.4(NLRP1):c.2358-3C>G

Gene: NLRP1 (NLR family pyrin domain containing 1; minus strand). Cytogenetic location: 17p13.2.
Variant type: single nucleotide variant.
Coding change: c.2358-3C>G on transcript NM_033004.4 (MANE Select); 3 bases into the intron before coding-DNA position 2358, C replaced by G.
Molecular consequence: intron variant.
Genome position (GRCh38, 1-based): chr17:5,553,559, G>C on the plus strand (C>G on the coding strand, the complement: NLRP1 is on the minus strand). VCF-style: chr17-5553559-G-C. GRCh37 (hg19) VCF-style: chr17-5456879-G-C.
Other names: c.2358-3C>G (NM_001033053.3, NM_033007.4, NM_033006.4 and 1 more transcripts).
Identifiers: ClinVar variation 2713016 (VCV002713016.3), dbSNP rs2507915904, ClinGen allele CA2697556203.

ClinVar aggregate classification (germline): Uncertain significance (1 of 4 stars; one submission).

Submission:

Labcorp Genetics (formerly Invitae), Labcorp
Classification: Uncertain significance. Last evaluated: 2023-08-18. Review status: criteria provided, single submitter. Criteria: Invitae Variant Classification Sherloc (09022015). Collection method: clinical testing. Allele origin: germline.
Comment: Variants that disrupt the consensus splice site are a relatively common cause of aberrant splicing (PMID: 17576681, 9536098). Algorithms developed to predict the effect of sequence changes on RNA splicing suggest that this variant may disrupt the consensus splice site. In summary, the available evidence is currently insufficient to determine the role of this variant in disease. Therefore, it has been classified as a Variant of Uncertain Significance. This variant has not been reported in the literature in individuals affected with NLRP1-related conditions. This sequence change falls in intron 4 of the NLRP1 gene. It does not directly change the encoded amino acid sequence of the NLRP1 protein. It affects a nucleotide within the consensus splice site. This variant is not present in population databases (gnomAD no frequency).

Literature cited by the submitters: PubMed 17576681; PubMed 9536098.